The following is an entry in ClinVar:

NM_003000.3(SDHB):c.88C>T (p.Gln30Ter)

Gene: SDHB (succinate dehydrogenase complex iron sulfur subunit B; minus strand). Cytogenetic location: 1p36.13.
Variant type: single nucleotide variant.
Coding change: c.88C>T on transcript NM_003000.3 (MANE Select); coding-DNA position 88, C replaced by T.
Protein change: p.Gln30Ter; replaces glutamine 30 with a stop codon.
Molecular consequence: nonsense.
Genome position (GRCh38, 1-based): chr1:17,044,873, G>A on the plus strand (C>T on the coding strand, the complement: SDHB is on the minus strand). VCF-style: chr1-17044873-G-A. GRCh37 (hg19) VCF-style: chr1-17371368-G-A.
Other names: c.88C>T, p.Gln30Ter (NM_001407361.1); short protein forms Q30*.
Identifiers: ClinVar variation 4056264 (VCV004056264.2).

ClinVar aggregate classification (germline): Pathogenic. Review status: criteria provided, multiple submitters, no conflicts (2 of 4 stars). 2 submissions from 2 submitters: Pathogenic (2). Last evaluated 2025-07-15.

Conditions:
Pheochromocytoma. Also called: MAX-Related Hereditary Paraganglioma-Pheochromocytoma Syndrome. Identifiers: Orphanet 29072, MedGen C0031511, MONDO:0008233, OMIM 171300, HP:0002666.
Pheochromocytoma/paraganglioma syndrome 4. Also called: CAROTID BODY TUMORS AND MULTIPLE EXTRAADRENAL PHEOCHROMOCYTOMAS; PARAGANGLIOMA, FAMILIAL MALIGNANT; PARAGANGLIOMAS, HEREDITARY EXTRAADRENAL; PHEOCHROMOCYTOMA, FAMILIAL EXTRAADRENAL; Paragangliomas 4; SDHB-Related Hereditary Paraganglioma-Pheochromocytoma Syndrome (Paragangliomas 4). Identifiers: Orphanet 29072, MedGen C1861848, MONDO:0007273, OMIM 115310.
Gastrointestinal stromal tumor. Also called: Gastrointestinal stromal tumor, somatic; Gastrointestinal stroma tumor. Identifiers: Orphanet 44890, MedGen C0238198, MeSH D046152, MONDO:0011719, OMIM 606764, HP:0100723.

Submissions (2):

Labcorp Genetics (formerly Invitae), Labcorp
Classification: Pathogenic for Gastrointestinal stromal tumor; Pheochromocytoma/paraganglioma syndrome 4; Pheochromocytoma. Last evaluated: 2025-07-15. Review status: criteria provided, single submitter. Criteria: Invitae Variant Classification Sherloc (09022015). Collection method: clinical testing. Allele origin: germline.
Comment: This sequence change creates a premature translational stop signal (p.Gln30*) in the SDHB gene. It is expected to result in an absent or disrupted protein product. Loss-of-function variants in SDHB are known to be pathogenic (PMID: 19454582, 19802898). This variant is not present in population databases (gnomAD no frequency). This variant has not been reported in the literature in individuals affected with SDHB-related conditions. For these reasons, this variant has been classified as Pathogenic.

Molecular Pathology, Peter Maccallum Cancer Centre
Classification: Pathogenic for Pheochromocytoma/paraganglioma syndrome 4. Last evaluated: 2024-01-03. Review status: criteria provided, single submitter. Criteria: ACMG Guidelines, 2015. Collection method: clinical testing. Allele origin: germline. Inheritance: Autosomal dominant inheritance.

Literature cited by the submitters: PubMed 19454582 (cited by Labcorp Genetics (formerly Invitae), Labcorp); PubMed 19802898 (cited by Labcorp Genetics (formerly Invitae), Labcorp).